The following is an entry in ClinVar:

NM_007215.4(POLG2):c.633T>A (p.Ile211=)

Genes: MILR1 (mast cell immunoglobulin like receptor 1; plus strand), POLG2 (DNA polymerase gamma 2, accessory subunit; minus strand). Cytogenetic location: 17q23.3.
Variant type: single nucleotide variant.
Coding change: c.633T>A on transcript NM_007215.4 (MANE Select); coding-DNA position 633, T replaced by A.
Protein change: p.Ile211=; no amino-acid change (isoleucine 211 retained).
Molecular consequence: synonymous variant.
Genome position (GRCh38, 1-based): chr17:64,492,951, A>T on the plus strand (T>A on the coding strand, the complement: POLG2 is on the minus strand). VCF-style: chr17-64492951-A-T. GRCh37 (hg19) VCF-style: chr17-62489068-A-T.
Identifiers: ClinVar variation 507947 (VCV000507947.1), dbSNP rs1555668835, ClinGen allele CA501458654.
Genomic context (GRCh38, chr17:64,492,951, plus strand): 5'-ATACCTTTTAACACCATTTCGTATCTGCTTAGTGTCAAAAACAGGATGAAAACACACTCC[A>T]ATCTGAGCAAGGCCATAAGGTAGCCTCTTGTTTACCAGATCCAGGCAATTAACATAGTGT-3'
Protein context (NP_009146.2, residues 201-221): NKRLPYGLAQ[Ile211=]GVCFHPVFDT

ClinVar aggregate classification (germline): Likely benign (1 of 4 stars; one submission).

Allele frequency attached by ClinVar (database versions not stated): gnomAD exomes below 0.00001; gnomAD 0.00001.
gnomAD v4.1: 2 of 1,613,960 alleles (0.00012%); highest among the groups gnomAD compares: Non-Finnish European, 0.00017%; no homozygotes.

Submission:

GeneDx
Classification: Likely benign. Last evaluated: 2017-03-23. Review status: criteria provided, single submitter. Criteria: GeneDx Variant Classification (06012015). Collection method: clinical testing. Allele origin: germline. Affected: yes.
Comment: This variant is considered likely benign or benign based on one or more of the following criteria: it is a conservative change, it occurs at a poorly conserved position in the protein, it is predicted to be benign by multiple in silico algorithms, and/or has population frequency not consistent with disease.